The following is an entry in ClinVar:

ClinVar aggregate classification (germline): Uncertain significance (1 of 4 stars; one submission).

Conditions:
Cardiovascular phenotype. Identifiers: MedGen CN230736.

gnomAD v4.1: 4 of 1,613,866 alleles (0.00025%); highest among the groups gnomAD compares: Admixed American, 0.0017%; no homozygotes.

Submission:

Ambry Genetics
Classification: Uncertain significance for Cardiovascular phenotype. Last evaluated: 2025-10-05. Review status: criteria provided, single submitter. Criteria: Ambry Variant Classification Scheme 2023. Collection method: clinical testing. Allele origin: germline.
Comment: The p.P1127L variant (also known as c.3380C>T), located in coding exon 22 of the APOB gene, results from a C to T substitution at nucleotide position 3380. The proline at codon 1127 is replaced by leucine, an amino acid with similar properties. This amino acid position is conserved. In addition, the in silico prediction for this alteration is inconclusive. Based on the available evidence, the clinical significance of this variant remains unclear.

NM_000384.3(APOB):c.3380C>T (p.Pro1127Leu)

Gene: APOB (apolipoprotein B; minus strand). Cytogenetic location: 2p24.1.
Variant type: single nucleotide variant.
Coding change: c.3380C>T on transcript NM_000384.3 (MANE Select); coding-DNA position 3380, C replaced by T.
Protein change: p.Pro1127Leu; replaces proline 1127 with leucine.
Molecular consequence: missense variant.
Genome position (GRCh38, 1-based): chr2:21,015,498, G>A on the plus strand (C>T on the coding strand, the complement: APOB is on the minus strand). VCF-style: chr2-21015498-G-A. GRCh37 (hg19) VCF-style: chr2-21238370-G-A.
Other names: short protein forms P1127L.
Identifiers: ClinVar variation 4613626 (VCV004613626.1).